The following is an entry in ClinVar:

ClinVar aggregate classification (germline): Likely benign. Review status: criteria provided, multiple submitters, no conflicts (2 of 4 stars). 2 submissions from 2 submitters: Likely benign (2). Last evaluated 2022-06-01.

Conditions:
Cardiac malformation, cleft lip/palate, microcephaly, and digital anomalies. Also called: CLEFT PALATE, CARDIAC DEFECTS, AND IMPAIRED INTELLECTUAL DEVELOPMENT. Identifiers: MedGen C1832950, MONDO:0010970, OMIM 600987.

Allele frequency attached by ClinVar (database versions not stated): gnomAD exomes 0.00003; ESP Exome Variant Server 0.00008; TOPMed 0.00009; gnomAD 0.00010 and 0.00011; 1000 Genomes Project 30x 0.00016; 1000 Genomes Project 0.00020.
gnomAD v4.1: 67 of 1,613,824 alleles (0.0042%); highest among the groups gnomAD compares: Middle Eastern, 0.12%; no homozygotes.

Submissions (2):

CeGaT Center for Human Genetics Tuebingen
Classification: Likely benign. Last evaluated: 2022-06-01. Review status: criteria provided, single submitter. Criteria: CeGaT Center For Human Genetics Tuebingen Variant Classification Criteria Version 2. Collection method: clinical testing. Allele origin: germline. Affected: yes. Observed: 1 variant allele.
Comment: MEIS2: BP4

Labcorp Genetics (formerly Invitae), Labcorp
Classification: Likely benign for Cardiac malformation, cleft lip/palate, microcephaly, and digital anomalies. Last evaluated: 2021-05-08. Review status: criteria provided, single submitter. Criteria: Invitae Variant Classification Sherloc (09022015). Collection method: clinical testing. Allele origin: germline.

NM_170675.5(MEIS2):c.120C>T (p.Asn40=)

Gene: MEIS2 (Meis homeobox 2; minus strand). Cytogenetic location: 15q14.
Variant type: single nucleotide variant.
Coding change: c.120C>T on transcript NM_170675.5 (MANE Select); coding-DNA position 120, C replaced by T.
Protein change: p.Asn40=; no amino-acid change (asparagine 40 retained).
Molecular consequence: synonymous variant. On other transcripts: 5 prime UTR variant (1), non-coding transcript variant (1).
Genome position (GRCh38, 1-based): chr15:37,098,092, G>A on the plus strand (C>T on the coding strand, the complement: MEIS2 is on the minus strand). VCF-style: chr15-37098092-G-A. GRCh37 (hg19) VCF-style: chr15-37390293-G-A.
Other names: c.120C>T, p.Asn40= (NM_001220482.2, NM_170674.5, NM_170676.5 and 1 more transcripts); c.81C>T, p.Asn27= (NM_002399.4, NM_172315.3); c.-122C>T (NM_172316.3).
Identifiers: ClinVar variation 1626316 (VCV001626316.32), dbSNP rs144628203, ClinGen allele CA7469473.